The following is an entry in ClinVar:

NC_000002.11:g.(?_48010373)_(48023222_?)dup

Gene: MSH6 (mutS homolog 6; plus strand). Cytogenetic location: 2p16.3.
Variant type: Duplication.
Identifiers: ClinVar variation 2422544 (VCV002422544.4).

ClinVar aggregate classification (germline): Uncertain significance (1 of 4 stars; one submission).

Conditions:
Hereditary nonpolyposis colorectal neoplasms. Identifiers: MedGen C0009405, MeSH D003123.

Submission:

Labcorp Genetics (formerly Invitae), Labcorp
Classification: Uncertain significance for Hereditary nonpolyposis colorectal neoplasms. Last evaluated: 2022-06-14. Review status: criteria provided, single submitter. Criteria: Invitae Variant Classification Sherloc (09022015). Collection method: clinical testing. Allele origin: germline.
Comment: This variant results in a copy number gain of the genomic region encompassing exon(s) 1-3 of the MSH6 gene. This region includes the initiator codon of the gene. This copy number gain extends beyond the assayed region for this gene and therefore may encompass additional genes. As the precise location of this event is unknown, it may be in tandem or it may be located elsewhere in the genome. This variant has not been reported in the literature in individuals affected with MSH6-related conditions. Experimental studies and prediction algorithms are not available or were not evaluated, and the functional significance of this variant is currently unknown. In summary, the available evidence is currently insufficient to determine the role of this variant in disease. Therefore, it has been classified as a Variant of Uncertain Significance.